The following is an entry in ClinVar:

NM_004656.4(BAP1):c.1600G>A (p.Glu534Lys)

Gene: BAP1 (BRCA1 associated deubiquitinase 1; minus strand). Cytogenetic location: 3p21.1.
Variant type: single nucleotide variant.
Coding change: c.1600G>A on transcript NM_004656.4 (MANE Select); coding-DNA position 1600, G replaced by A.
Protein change: p.Glu534Lys; replaces glutamic acid 534 with lysine.
Molecular consequence: missense variant.
Genome position (GRCh38, 1-based): chr3:52,403,545, C>T on the plus strand (G>A on the coding strand, the complement: BAP1 is on the minus strand). VCF-style: chr3-52403545-C-T. GRCh37 (hg19) VCF-style: chr3-52437561-C-T.
Other names: short protein forms E534K.
Identifiers: ClinVar variation 659484 (VCV000659484.10), dbSNP rs1578220449, ClinGen allele CA353100419.

ClinVar aggregate classification (germline): Uncertain significance. Review status: criteria provided, multiple submitters, no conflicts (2 of 4 stars). 2 submissions from 2 submitters: Uncertain significance (2). Last evaluated 2021-05-27.

Conditions:
Hereditary cancer-predisposing syndrome. Also called: Hereditary neoplastic syndrome; Neoplastic Syndromes, Hereditary; Hereditary Cancer Syndrome; Tumor predisposition. Identifiers: Orphanet 140162, MedGen C0027672, MeSH D009386, MONDO:0015356.
BAP1-related tumor predisposition syndrome (TPDS1). Also called: BAP1 tumor predisposition syndrome; COMMON Syndrome; Tumor susceptibility linked to germline BAP1 mutations; TUMOR PREDISPOSITION SYNDROME 1. Identifiers: Orphanet 289539, MedGen C3280492, MONDO:0013692, OMIM 614327.

Allele frequency attached by ClinVar (database versions not stated): gnomAD exomes below 0.00001.

Submissions (2):

Ambry Genetics
Classification: Uncertain significance for Hereditary cancer-predisposing syndrome. Last evaluated: 2021-05-27. Review status: criteria provided, single submitter. Criteria: Ambry Variant Classification Scheme 2023. Collection method: clinical testing. Allele origin: germline.
Comment: The p.E534K variant (also known as c.1600G>A), located in coding exon 13 of the BAP1 gene, results from a G to A substitution at nucleotide position 1600. The glutamic acid at codon 534 is replaced by lysine, an amino acid with similar properties. This amino acid position is highly conserved in available vertebrate species. In addition, the in silico prediction for this alteration is inconclusive. Since supporting evidence is limited at this time, the clinical significance of this alteration remains unclear.

Labcorp Genetics (formerly Invitae), Labcorp
Classification: Uncertain significance for BAP1-related tumor predisposition syndrome. Last evaluated: 2018-09-25. Review status: criteria provided, single submitter. Criteria: Invitae Variant Classification Sherloc (09022015). Collection method: clinical testing. Allele origin: germline.
Comment: This variant has not been reported in the literature in individuals with BAP1-related disease. Algorithms developed to predict the effect of missense changes on protein structure and function are either unavailable or do not agree on the potential impact of this missense change (SIFT: "Deleterious"; PolyPhen-2: "Possibly Damaging"; Align-GVGD: "Class C0"). In summary, the available evidence is currently insufficient to determine the role of this variant in disease. Therefore, it has been classified as a Variant of Uncertain Significance. This variant is not present in population databases (ExAC no frequency). This sequence change replaces glutamic acid with lysine at codon 534 of the BAP1 protein (p.Glu534Lys). The glutamic acid residue is highly conserved and there is a small physicochemical difference between glutamic acid and lysine.